The following is an entry in ClinVar:

NM_002941.4(ROBO1):c.4414C>T (p.Arg1472Cys)

Gene: ROBO1 (roundabout guidance receptor 1; minus strand). Cytogenetic location: 3p12.3.
Variant type: single nucleotide variant.
Coding change: c.4414C>T on transcript NM_002941.4 (MANE Select); coding-DNA position 4414, C replaced by T.
Protein change: p.Arg1472Cys; replaces arginine 1472 with cysteine.
Molecular consequence: missense variant.
Genome position (GRCh38, 1-based): chr3:78,614,669, G>A on the plus strand (C>T on the coding strand, the complement: ROBO1 is on the minus strand). VCF-style: chr3-78614669-G-A. GRCh37 (hg19) VCF-style: chr3-78663819-G-A.
Other names: c.4279C>T, p.Arg1427Cys (NM_001145844.1, NM_133631.4); c.4114C>T, p.Arg1372Cys (NM_001145845.2); short protein forms R1372C, R1427C, R1472C.
Identifiers: ClinVar variation 2749619 (VCV002749619.3), dbSNP rs370824603, ClinGen allele CA2498084.

ClinVar aggregate classification (germline): Uncertain significance (1 of 4 stars; one submission).

Allele frequency attached by ClinVar (database versions not stated): ExAC 0.00002; gnomAD exomes 0.00003; gnomAD 0.00005; TOPMed 0.00006; ESP Exome Variant Server 0.00008.
gnomAD v4.1: 54 of 1,613,542 alleles (0.0033%); highest among the groups gnomAD compares: Middle Eastern, 0.033%; no homozygotes.

Submission:

Labcorp Genetics (formerly Invitae), Labcorp
Classification: Uncertain significance. Last evaluated: 2023-07-26. Review status: criteria provided, single submitter. Criteria: Invitae Variant Classification Sherloc (09022015). Collection method: clinical testing. Allele origin: germline.
Comment: This variant is present in population databases (rs370824603, gnomAD 0.005%). In summary, the available evidence is currently insufficient to determine the role of this variant in disease. Therefore, it has been classified as a Variant of Uncertain Significance. Advanced modeling of protein sequence and biophysical properties (such as structural, functional, and spatial information, amino acid conservation, physicochemical variation, residue mobility, and thermodynamic stability) performed at Invitae indicates that this missense variant is not expected to disrupt ROBO1 protein function. This variant has not been reported in the literature in individuals affected with ROBO1-related conditions. This sequence change replaces arginine, which is basic and polar, with cysteine, which is neutral and slightly polar, at codon 1472 of the ROBO1 protein (p.Arg1472Cys).